The following is an entry in ClinVar:

NM_012431.3(SEMA3E):c.2239T>A (p.Ser747Thr)

Gene: SEMA3E (semaphorin 3E; minus strand). Cytogenetic location: 7q21.11.
Variant type: single nucleotide variant.
Coding change: c.2239T>A on transcript NM_012431.3 (MANE Select); coding-DNA position 2239, T replaced by A.
Protein change: p.Ser747Thr; replaces serine 747 with threonine.
Molecular consequence: missense variant.
Genome position (GRCh38, 1-based): chr7:83,367,675, A>T on the plus strand (T>A on the coding strand, the complement: SEMA3E is on the minus strand). VCF-style: chr7-83367675-A-T. GRCh37 (hg19) VCF-style: chr7-82996991-A-T.
Other names: c.2059T>A, p.Ser687Thr (NM_001178129.2); short protein forms S747T, S687T.
Identifiers: ClinVar variation 1967543 (VCV001967543.5), dbSNP rs1322906962, ClinGen allele CA367912645.

ClinVar aggregate classification (germline): Uncertain significance (1 of 4 stars; one submission).

Conditions:
CHARGE syndrome (CHARGE). Also called: Hittner Hirsch Kreh syndrome; CHARGE ASSOCIATION--COLOBOMA, HEART ANOMALY, CHOANAL ATRESIA, RETARDATION, GENITAL AND EAR ANOMALIES; Coloboma, heart anomaly, choanal atresia, retardation, genital and ear anomalies; CHARGE association; Hall-Hittner syndrome. Identifiers: Orphanet 138, MedGen C0265354, MONDO:0008965.

Allele frequency attached by ClinVar (database versions not stated): gnomAD exomes below 0.00001.
gnomAD v4.1: 1 of 1,614,078 alleles (0.000062%); highest among the groups gnomAD compares: African/African-American, 0.0013%; no homozygotes.

Submission:

Labcorp Genetics (formerly Invitae), Labcorp
Classification: Uncertain significance for CHARGE syndrome. Last evaluated: 2022-04-29. Review status: criteria provided, single submitter. Criteria: Invitae Variant Classification Sherloc (09022015). Collection method: clinical testing. Allele origin: germline.
Comment: In summary, the available evidence is currently insufficient to determine the role of this variant in disease. Therefore, it has been classified as a Variant of Uncertain Significance. Algorithms developed to predict the effect of missense changes on protein structure and function are either unavailable or do not agree on the potential impact of this missense change (SIFT: "Deleterious"; PolyPhen-2: "Benign"; Align-GVGD: "Class C0"). This variant has not been reported in the literature in individuals affected with SEMA3E-related conditions. This variant is not present in population databases (gnomAD no frequency). This sequence change replaces serine, which is neutral and polar, with threonine, which is neutral and polar, at codon 747 of the SEMA3E protein (p.Ser747Thr).